The following is an entry in ClinVar:

ClinVar aggregate classification (germline): Benign. Review status: criteria provided, multiple submitters, no conflicts (2 of 4 stars). 2 submissions from 2 submitters: Benign (2). Last evaluated 2018-01-13.

Conditions:
Chondrodysplasia with joint dislocations, gPAPP type. Also called: GPAPP DEFICIENCY. Identifiers: Orphanet 280586, MedGen C3279757, MONDO:0013561, OMIM 614078.

Allele frequency attached by ClinVar (database versions not stated): 1000 Genomes Project 0.01138; 1000 Genomes Project 30x 0.01187; TOPMed 0.01198; gnomAD 0.01262 and 0.01326.

Submissions (2):

Illumina Laboratory Services, Illumina
Classification: Benign for Chondrodysplasia with joint dislocations, gPAPP type. Last evaluated: 2018-01-13. Review status: criteria provided, single submitter. Criteria: ICSL Variant Classification Criteria 13 December 2019. Collection method: clinical testing. Allele origin: germline.
Comment: This variant was observed in the ICSL laboratory as part of a predisposition screen in an ostensibly healthy population. It had not been previously curated by ICSL or reported in the Human Gene Mutation Database (HGMD: prior to June 1st, 2018), and was therefore a candidate for classification through an automated scoring system. Utilizing variant allele frequency, disease prevalence and penetrance estimates, and inheritance mode, an automated score was calculated to assess if this variant is too frequent to cause the disease. Based on the score and internal cut-off values, a variant classified as benign is not then subjected to further curation. The score for this variant resulted in a classification of benign for this disease.

Breakthrough Genomics
Classification: Benign. Review status: criteria provided, single submitter. Criteria: ACMG Guidelines, 2015. Collection method: not provided. Allele origin: germline. Inheritance: Autosomal recessive inheritance. Affected: yes.

NM_017813.5(BPNT2):c.*2608A>C

Gene: BPNT2 (3'(2'), 5'-bisphosphate nucleotidase 2; minus strand). Cytogenetic location: 8q12.1.
Variant type: single nucleotide variant.
Coding change: c.*2608A>C on transcript NM_017813.5 (MANE Select); 2608 bases downstream of the stop codon, A replaced by C.
Molecular consequence: 3 prime UTR variant.
Genome position (GRCh38, 1-based): chr8:56,961,185, T>G on the plus strand (A>C on the coding strand, the complement: BPNT2 is on the minus strand). VCF-style: chr8-56961185-T-G. GRCh37 (hg19) VCF-style: chr8-57873744-T-G.
Identifiers: ClinVar variation 363359 (VCV000363359.6), dbSNP rs17188824, ClinGen allele CA10631313.